The following is an entry in ClinVar:

NM_007254.4(PNKP):c.788C>T (p.Thr263Met)

Gene: PNKP (polynucleotide kinase 3'-phosphatase; minus strand). Cytogenetic location: 19q13.33.
Variant type: single nucleotide variant.
Coding change: c.788C>T on transcript NM_007254.4 (MANE Select); coding-DNA position 788, C replaced by T.
Protein change: p.Thr263Met; replaces threonine 263 with methionine.
Molecular consequence: missense variant.
Genome position (GRCh38, 1-based): chr19:49,863,717, G>A on the plus strand (C>T on the coding strand, the complement: PNKP is on the minus strand). VCF-style: chr19-49863717-G-A. GRCh37 (hg19) VCF-style: chr19-50366974-G-A.
Other names: short protein forms T263M.
Identifiers: ClinVar variation 546541 (VCV000546541.9), dbSNP rs766704284, ClinGen allele CA9586798.
Genomic context (GRCh38, chr19:49,863,717, plus strand): 5'-AGGAGGGGGGCCGGGCAGGCTGCAAGACTCACCTGCTCCTGCAGATGGTCCCACATGCCC[G>A]TCACCGGCTTCCGGTACAAGCCTGCGTGCGTGGCCACCAGCACCTGTGGATGGGAGGGGG-3'
Protein context (NP_009185.2, residues 253-273): THAGLYRKPV[Thr263Met]GMWDHLQEQA

ClinVar aggregate classification (germline): Uncertain significance. Review status: criteria provided, multiple submitters, no conflicts (2 of 4 stars). 2 submissions from 2 submitters: Uncertain significance (2). Last evaluated 2026-01-07.

Conditions:
Developmental and epileptic encephalopathy, 12 (DEE12). Identifiers: MedGen C3150988, MONDO:0013389, OMIM 613722.

Allele frequency attached by ClinVar (database versions not stated): ExAC below 0.00001; gnomAD 0.00001; TOPMed 0.00001; gnomAD exomes 0.00002.
gnomAD v4.1: 29 of 1,557,582 alleles (0.0019%); highest among the groups gnomAD compares: East Asian, 0.0072%; no homozygotes.

Submissions (2):

GeneDx
Classification: Uncertain significance. Last evaluated: 2026-01-07. Review status: criteria provided, single submitter. Criteria: GeneDx Variant Classification Process June 2021. Collection method: clinical testing. Allele origin: germline. Affected: yes.
Comment: In silico analysis suggests that this missense variant does not alter protein structure/function; Has not been previously published as pathogenic or benign to our knowledge; This variant is associated with the following publications: (PMID: 22508754)

Labcorp Genetics (formerly Invitae), Labcorp
Classification: Uncertain significance for Developmental and epileptic encephalopathy, 12. Last evaluated: 2022-07-23. Review status: criteria provided, single submitter. Criteria: Invitae Variant Classification Sherloc (09022015). Collection method: clinical testing. Allele origin: germline.
Comment: In summary, the available evidence is currently insufficient to determine the role of this variant in disease. Therefore, it has been classified as a Variant of Uncertain Significance. Algorithms developed to predict the effect of missense changes on protein structure and function are either unavailable or do not agree on the potential impact of this missense change (SIFT: "Deleterious"; PolyPhen-2: "Benign"; Align-GVGD: "Class C0"). ClinVar contains an entry for this variant (Variation ID: 546541). This variant has not been reported in the literature in individuals affected with PNKP-related conditions. The frequency data for this variant in the population databases is considered unreliable, as metrics indicate poor data quality at this position in the gnomAD database. This sequence change replaces threonine, which is neutral and polar, with methionine, which is neutral and non-polar, at codon 263 of the PNKP protein (p.Thr263Met).